The following is an entry in ClinVar:

NM_001928.4(CFD):c.197A>G (p.His66Arg)

Gene: CFD (complement factor D; plus strand). Cytogenetic location: 19p13.3.
Variant type: single nucleotide variant.
Coding change: c.197A>G on transcript NM_001928.4 (MANE Select); coding-DNA position 197, A replaced by G.
Protein change: p.His66Arg; replaces histidine 66 with arginine.
Molecular consequence: missense variant.
Genome position (GRCh38, 1-based): chr19:860,758, A>G. VCF-style: chr19-860758-A-G. GRCh37 (hg19) VCF-style: chr19-860758-A-G.
Other names: c.218A>G, p.His73Arg (NM_001317335.2); short protein forms H66R, H73R.
Identifiers: ClinVar variation 3694378 (VCV003694378.2).

ClinVar aggregate classification (germline): Uncertain significance (1 of 4 stars; one submission).

Submission:

Labcorp Genetics (formerly Invitae), Labcorp
Classification: Uncertain significance. Last evaluated: 2024-11-05. Review status: criteria provided, single submitter. Criteria: Invitae Variant Classification Sherloc (09022015). Collection method: clinical testing. Allele origin: germline.
Comment: This sequence change replaces histidine, which is basic and polar, with arginine, which is basic and polar, at codon 66 of the CFD protein (p.His66Arg). This variant is not present in population databases (gnomAD no frequency). This variant has not been reported in the literature in individuals affected with CFD-related conditions. An algorithm developed to predict the effect of missense changes on protein structure and function (PolyPhen-2) suggests that this variant is likely to be disruptive. In summary, the available evidence is currently insufficient to determine the role of this variant in disease. Therefore, it has been classified as a Variant of Uncertain Significance.